The following is an entry in ClinVar:

NM_001171.6(ABCC6):c.1277A>G (p.Tyr426Cys)

Gene: ABCC6 (ATP binding cassette subfamily C member 6; minus strand). Cytogenetic location: 16p13.11.
Variant type: single nucleotide variant.
Coding change: c.1277A>G on transcript NM_001171.6 (MANE Select); coding-DNA position 1277, A replaced by G.
Protein change: p.Tyr426Cys; replaces tyrosine 426 with cysteine.
Molecular consequence: missense variant. On other transcripts: non-coding transcript variant (1).
Genome position (GRCh38, 1-based): chr16:16,198,082, T>C on the plus strand (A>G on the coding strand, the complement: ABCC6 is on the minus strand). VCF-style: chr16-16198082-T-C. GRCh37 (hg19) VCF-style: chr16-16291939-T-C.
Other names: c.935A>G, p.Tyr312Cys (NM_001351800.1); short protein forms Y312C, Y426C.
Identifiers: ClinVar variation 2013443 (VCV002013443.4), dbSNP rs1596703616, ClinGen allele CA394890273.

ClinVar aggregate classification (germline): Uncertain significance (1 of 4 stars; one submission).

Submission:

Labcorp Genetics (formerly Invitae), Labcorp
Classification: Uncertain significance. Last evaluated: 2022-07-03. Review status: criteria provided, single submitter. Criteria: Invitae Variant Classification Sherloc (09022015). Collection method: clinical testing. Allele origin: germline.
Comment: In summary, the available evidence is currently insufficient to determine the role of this variant in disease. Therefore, it has been classified as a Variant of Uncertain Significance. Algorithms developed to predict the effect of missense changes on protein structure and function (SIFT, PolyPhen-2, Align-GVGD) all suggest that this variant is likely to be tolerated. This variant has not been reported in the literature in individuals affected with ABCC6-related conditions. This variant is not present in population databases (gnomAD no frequency). This sequence change replaces tyrosine, which is neutral and polar, with cysteine, which is neutral and slightly polar, at codon 426 of the ABCC6 protein (p.Tyr426Cys).